The following is an entry in ClinVar:

ClinVar aggregate classification (germline): Pathogenic (1 of 4 stars; one submission).

Conditions:
Glycine encephalopathy. Also called: Nonketotic hyperglycinemia; Non-ketotic hyperglycinemia. Identifiers: Orphanet 407, MedGen C0751748, MONDO:0011612, HP:0008288.

Submission:

Labcorp Genetics (formerly Invitae), Labcorp
Classification: Pathogenic for Glycine encephalopathy. Last evaluated: 2022-10-24. Review status: criteria provided, single submitter. Criteria: Invitae Variant Classification Sherloc (09022015). Collection method: clinical testing. Allele origin: germline.
Comment: A gross deletion of the genomic region encompassing the full coding sequence of the GLDC gene has been identified. Loss-of-function variants in GLDC are known to be pathogenic (PMID: 16601880). The boundaries of this event are unknown as they extend beyond the assayed region for this gene and therefore may encompass additional genes. A similar copy number variant has been observed in individual(s) with glycine encephalopathy (PMID: 17361008, 25231368, 26947380, 28468868). For these reasons, this variant has been classified as Pathogenic.

Literature cited by the submitters: PubMed 16601880; PubMed 17361008; PubMed 25231368; PubMed 26947380; PubMed 28468868.

NC_000009.11:g.(?_6533017)_(6645499_?)del

Gene: GLDC (glycine decarboxylase; minus strand). Cytogenetic location: 9p24.1.
Variant type: Deletion.
Identifiers: ClinVar variation 2422526 (VCV002422526.6).